The following is an entry in ClinVar:

ClinVar aggregate classification (germline): Conflicting classifications of pathogenicity. Review status: criteria provided, conflicting classifications (1 of 4 stars). 4 submissions from 4 submitters: Uncertain significance (3); Likely benign (1). Last evaluated 2025-10-02.

Conditions:
Inborn genetic diseases. Identifiers: MedGen C0950123, MeSH D030342.
Autosomal dominant limb-girdle muscular dystrophy type 1F (LGMDD2). Also called: MUSCULAR DYSTROPHY, LIMB-GIRDLE, AUTOSOMAL DOMINANT 2; Limb-girdle muscular dystrophy, type 1F. Identifiers: Orphanet 55595, MedGen C1842062, MONDO:0012034, OMIM 608423.

Allele frequency attached by ClinVar (database versions not stated): gnomAD 0.00003; ESP Exome Variant Server 0.00008; ExAC 0.00012; TOPMed 0.00012.
gnomAD v4.1: 206 of 1,614,008 alleles (0.013%); highest among the groups gnomAD compares: Non-Finnish European, 0.016%; no homozygotes.

Submissions (4):

Labcorp Genetics (formerly Invitae), Labcorp
Classification: Likely benign for Autosomal dominant limb-girdle muscular dystrophy type 1F. Last evaluated: 2025-10-02. Review status: criteria provided, single submitter. Criteria: Invitae Variant Classification Sherloc (09022015). Collection method: clinical testing. Allele origin: germline.

Ambry Genetics
Classification: Uncertain significance for Inborn genetic diseases. Last evaluated: 2021-09-16. Review status: criteria provided, single submitter. Criteria: Ambry Variant Classification Scheme 2023. Collection method: clinical testing. Allele origin: germline.

Baylor Genetics
Classification: Uncertain significance for Autosomal dominant limb-girdle muscular dystrophy type 1F. Last evaluated: 2018-04-05. Review status: criteria provided, single submitter. Criteria: ACMG Guidelines, 2015. Collection method: clinical testing. Allele origin: maternal. Affected: yes.
Comment: This variant was determined to be of uncertain significance according to ACMG Guidelines, 2015 [PMID:25741868].

Eurofins Ntd Llc (ga)
Classification: Uncertain significance. Last evaluated: 2016-06-02. Review status: criteria provided, single submitter. Criteria: EGL Classification Definitions 2015. Collection method: clinical testing. Allele origin: germline. Observed: 3 variant alleles, 3 heterozygotes.

NM_012470.4(TNPO3):c.2326A>G (p.Ile776Val)

Gene: TNPO3 (transportin 3; minus strand). Cytogenetic location: 7q32.1.
Variant type: single nucleotide variant.
Coding change: c.2326A>G on transcript NM_012470.4 (MANE Select); coding-DNA position 2326, A replaced by G.
Protein change: p.Ile776Val; replaces isoleucine 776 with valine.
Molecular consequence: missense variant. On other transcripts: non-coding transcript variant (18).
Genome position (GRCh38, 1-based): chr7:128,972,530, T>C on the plus strand (A>G on the coding strand, the complement: TNPO3 is on the minus strand). VCF-style: chr7-128972530-T-C. GRCh37 (hg19) VCF-style: chr7-128612584-T-C.
Other names: c.2134A>G, p.Ile712Val (NM_001191028.3, NM_001382223.1); c.2428A>G, p.Ile810Val (NM_001382216.1); c.2407A>G, p.Ile803Val (NM_001382217.1); c.2326A>G, p.Ile776Val (NM_001382218.1); c.2218A>G, p.Ile740Val (NM_001382219.1); c.2185A>G, p.Ile729Val (NM_001382220.1); c.2182A>G, p.Ile728Val (NM_001382221.1); c.2179A>G, p.Ile727Val (NM_001382222.1); short protein forms I776V, I712V, I727V, I728V, I729V, I740V, I803V, I810V.
Identifiers: ClinVar variation 194964 (VCV000194964.22), dbSNP rs368873021, ClinGen allele CA241214.